The following is an entry in ClinVar:

ClinVar aggregate classification (germline): Benign (1 of 4 stars; one submission).

Allele frequency attached by ClinVar (database versions not stated): 1000 Genomes Project 0.00060; gnomAD exomes 0.00074; gnomAD 0.00091; 1000 Genomes Project 30x 0.00125; TOPMed 0.00131.
gnomAD v4.1: 762 of 985,564 alleles (0.077%); highest among the groups gnomAD compares: Admixed American, 0.34%; 1 homozygote.

Submission:

CeGaT Center for Human Genetics Tuebingen
Classification: Benign. Last evaluated: 2022-10-01. Review status: criteria provided, single submitter. Criteria: CeGaT Center For Human Genetics Tuebingen Variant Classification Criteria Version 2. Collection method: clinical testing. Allele origin: germline. Affected: yes. Observed: 1 variant allele.
Comment: RHOBTB2: BS1, BS2

NM_015178.3(RHOBTB2):c.-122T>G

Gene: RHOBTB2 (Rho related BTB domain containing 2; plus strand). Cytogenetic location: 8p21.3.
Variant type: single nucleotide variant.
Coding change: c.-122T>G on transcript NM_015178.3 (MANE Select); 122 bases upstream of the start codon, T replaced by G.
Molecular consequence: 5 prime UTR variant. On other transcripts: intron variant (3).
Genome position (GRCh38, 1-based): chr8:22,999,994, T>G. VCF-style: chr8-22999994-T-G. GRCh37 (hg19) VCF-style: chr8-22857507-T-G.
Other names: c.57-4431T>G (NM_001160036.2); c.11+4112T>G (NM_001160037.2); c.-11+2905T>G (NM_001374791.1).
Identifiers: ClinVar variation 1879706 (VCV001879706.29), dbSNP rs551871648, ClinGen allele CA173868719.
Genomic context (GRCh38, chr8:22,999,994, plus strand): 5'-CTGAGTGGCCGCGAGCTGGCCGGGAGGCTGGAGCCCAGCAGCAGCGCGGCGGCGCCGGCG[T>G]CGTCCCAACTTGCAGGCGCGGAGGGACCCCTGACATTTCACTAAAATGAGCGTGCTCAGC-3'